The following is an entry in ClinVar:

NM_004187.5(KDM5C):c.860C>T (p.Ser287Leu)

Gene: KDM5C (lysine demethylase 5C; minus strand). Cytogenetic location: Xp11.22.
Variant type: single nucleotide variant.
Coding change: c.860C>T on transcript NM_004187.5 (MANE Select); coding-DNA position 860, C replaced by T.
Protein change: p.Ser287Leu; replaces serine 287 with leucine.
Molecular consequence: missense variant. On other transcripts: non-coding transcript variant (3).
Genome position (GRCh38, 1-based): chrX:53,215,898, G>A on the plus strand (C>T on the coding strand, the complement: KDM5C is on the minus strand). VCF-style: chrX-53215898-G-A. GRCh37 (hg19) VCF-style: chrX-53245080-G-A.
Other names: c.659C>T, p.Ser220Leu (NM_001146702.2); c.857C>T, p.Ser286Leu (NM_001282622.3, NM_001353979.2, NM_001353982.2); c.860C>T, p.Ser287Leu (NM_001353978.3, NM_001353981.2, NM_001353984.2); short protein forms S220L, S287L, S286L.
Identifiers: ClinVar variation 945345 (VCV000945345.12), dbSNP rs1428740468, ClinGen allele CA413133104.
Genomic context (GRCh38, chrX:53,215,898, plus strand): 5'-TTGGTGCAGGGTTCTGGGCTGTGACTCAGCTCCTCCTTGCTCTCCAGGAAGGTCTTAGGC[G>A]ATGTTGACTCCACCTTCACATCCCCACCTAACTCCTCCTTCACCACTACTGTGGGGGGAC-3'
Protein context (NP_004178.2, residues 277-297): LGGDVKVEST[Ser287Leu]PKTFLESKEE

ClinVar aggregate classification (germline): Conflicting classifications of pathogenicity. Review status: criteria provided, conflicting classifications (1 of 4 stars). 3 submissions from 3 submitters: Uncertain significance (2); Likely benign (1). Last evaluated 2025-12-28.

Conditions:
Spastic paraplegia. Identifiers: MedGen C0037772, HP:0001258.
Intellectual developmental disorder, X-linked, syndromic, Claes-Jensen type. Also called: INTELLECTUAL DEVELOPMENTAL DISORDER, X-LINKED, SYNDROMIC 16; MENTAL RETARDATION, X-LINKED, SYNDROMIC 16; Syndromic X-linked intellectual disability Claes-Jensen type. Identifiers: Orphanet 85279, MedGen C1845243, MONDO:0010355, OMIM 300534.

Allele frequency attached by ClinVar (database versions not stated): gnomAD exomes below 0.00001 and 0.00001; gnomAD 0.00001; TOPMed 0.00001.
gnomAD v4.1: 6 of 1,209,579 alleles (0.0005%); highest among the groups gnomAD compares: Admixed American, 0.0065%; no homozygotes.

Submissions (3):

Women's Health and Genetics/Laboratory Corporation of America, LabCorp
Classification: Uncertain significance. Last evaluated: 2025-12-28. Review status: criteria provided, single submitter. Criteria: LabCorp Variant Classification Summary - May 2015. Collection method: clinical testing. Allele origin: germline.
Comment: Variant summary: KDM5C c.860C>T (p.Ser287Leu) results in a non-conservative amino acid change in the encoded protein sequence. Algorithms developed to predict the effect of missense changes on protein structure and function are either unavailable or do not agree on the potential impact of this missense change. The variant allele was found at a frequency of 5e-06 in 1209579 control chromosomes, including 2 hemizygotes. The available data on variant occurrences in the general population are insufficient to allow any conclusion about variant significance. c.860C>T has been observed in individual(s) affected with features of Mental Retardation, Syndromic, Claes-Jensen Type, X-Linked (Sadikvic_2021, Husson_2024, Poli_2024, Murati_2025). These data do not allow any conclusion about variant significance. To our knowledge, no experimental evidence demonstrating an impact on protein function has been reported. The following publications have been ascertained in the context of this evaluation (PMID: 37872275, 40125771, 38177409, 33547396). ClinVar contains an entry for this variant (Variation ID: 945345). Based on the evidence outlined above, the variant was classified as VUS-possibly benign.

Labcorp Genetics (formerly Invitae), Labcorp
Classification: Likely benign for Spastic paraplegia. Last evaluated: 2025-12-02. Review status: criteria provided, single submitter. Criteria: Invitae Variant Classification Sherloc (09022015). Collection method: clinical testing. Allele origin: germline.

DECIPHERD-UDD, Universidad del Desarrollo
Classification: Uncertain significance for Intellectual developmental disorder, X-linked, syndromic, Claes-Jensen type. Last evaluated: 2023-07-01. Review status: criteria provided, single submitter. Criteria: ACMG Guidelines, 2015. Collection method: research. Allele origin: maternal. Affected: yes.

Literature cited by the submitters: PubMed 33547396 (cited by Women's Health and Genetics/Laboratory Corporation of America, LabCorp); PubMed 38177409 (cited by Women's Health and Genetics/Laboratory Corporation of America, LabCorp and DECIPHERD-UDD, Universidad del Desarrollo); PubMed 37872275 (cited by Women's Health and Genetics/Laboratory Corporation of America, LabCorp); PubMed 40125771 (cited by Women's Health and Genetics/Laboratory Corporation of America, LabCorp).